The following is an entry in ClinVar:

NM_153240.5(NPHP3):c.188G>A (p.Gly63Glu)

Genes: NPHP3 (nephrocystin 3; minus strand), NPHP3-ACAD11 (NPHP3-ACAD11 readthrough (NMD candidate); minus strand), NPHP3-AS1 (NPHP3 antisense RNA 1; plus strand), LOC129937586 (ATAC-STARR-seq lymphoblastoid silent region 14743; plus strand). Cytogenetic location: 3q22.1.
Variant type: single nucleotide variant.
Coding change: c.188G>A on transcript NM_153240.5 (MANE Select); coding-DNA position 188, G replaced by A.
Protein change: p.Gly63Glu; replaces glycine 63 with glutamic acid.
Molecular consequence: missense variant. On other transcripts: non-coding transcript variant (3).
Genome position (GRCh38, 1-based): chr3:132,722,168, C>T on the plus strand (G>A on the coding strand, the complement: NPHP3 is on the minus strand). VCF-style: chr3-132722168-C-T. GRCh37 (hg19) VCF-style: chr3-132441012-C-T.
Other names: short protein forms G63E.
Identifiers: ClinVar variation 949984 (VCV000949984.14), dbSNP rs763699273, ClinGen allele CA2622690.

ClinVar aggregate classification (germline): Uncertain significance. Review status: criteria provided, multiple submitters, no conflicts (2 of 4 stars). 5 submissions from 5 submitters: Uncertain significance (5). Last evaluated 2026-02-10.

Conditions:
NPHP3-related disorder. Also called: NPHP3-related disorders; NPHP3-related condition. Identifiers: MedGen CN379163.
NPHP3-related Meckel-like syndrome. Also called: Meckel syndrome type 7; GOLDSTON SYNDROME. Identifiers: Orphanet 3032, MedGen C2673885, MONDO:0009966, OMIM 267010.
Nephronophthisis 3 (NPHP3). Also called: Adolescent nephronophthisis. Identifiers: Orphanet 655, MedGen C1858392, MONDO:0011456, OMIM 604387.
Renal-hepatic-pancreatic dysplasia 1 (RHPD1). Identifiers: MedGen C3715199, MONDO:0008833, OMIM 208540.
Nephronophthisis. Also called: Juvenile Nephronophthisis. Identifiers: Orphanet 655, MedGen C0687120, MONDO:0019005, HP:0000090.

Allele frequency attached by ClinVar (database versions not stated): gnomAD 0.00003; gnomAD exomes 0.00005 and 0.00012; TOPMed 0.00005; ExAC 0.00008; 1000 Genomes Project 30x 0.00016.
gnomAD v4.1: 69 of 1,570,330 alleles (0.0044%); highest among the groups gnomAD compares: East Asian, 0.17%; no homozygotes.

Submissions (5):

PreventionGenetics, part of Exact Sciences
Classification: Uncertain significance for NPHP3-related condition. Last evaluated: 2026-02-10. Review status: criteria provided, single submitter. Criteria: ACMG Guidelines, 2015. Collection method: clinical testing. Allele origin: germline.
Comment: The NPHP3 c.188G>A variant is predicted to result in the amino acid substitution p.Gly63Glu. This variant was reported in heterozygous state in absence of second NPHP3 variant in an individual with Nephronophthisis (Liu et al. 2023. PubMed ID: 37217505). This variant is reported in 0.077% of alleles in individuals of East Asian descent in gnomAD. At this time, the clinical significance of this variant is uncertain due to the absence of conclusive functional and genetic evidence.

Labcorp Genetics (formerly Invitae), Labcorp
Classification: Uncertain significance for Nephronophthisis. Last evaluated: 2024-12-16. Review status: criteria provided, single submitter. Criteria: Invitae Variant Classification Sherloc (09022015). Collection method: clinical testing. Allele origin: germline.
Comment: This sequence change replaces glycine, which is neutral and non-polar, with glutamic acid, which is acidic and polar, at codon 63 of the NPHP3 protein (p.Gly63Glu). This variant is present in population databases (rs763699273, gnomAD 0.07%). This variant has not been reported in the literature in individuals affected with NPHP3-related conditions. ClinVar contains an entry for this variant (Variation ID: 949984). An algorithm developed to predict the effect of missense changes on protein structure and function (PolyPhen-2) suggests that this variant¬†is likely to be tolerated. In summary, the available evidence is currently insufficient to determine the role of this variant in disease. Therefore, it has been classified as a Variant of Uncertain Significance.

Fulgent Genetics
Classification: Uncertain significance for Renal-hepatic-pancreatic dysplasia 1; NPHP3-related Meckel-like syndrome; Nephronophthisis 3. Last evaluated: 2024-01-02. Review status: criteria provided, single submitter. Criteria: ACMG Guidelines, 2015. Collection method: clinical testing. Allele origin: germline.

GeneDx
Classification: Uncertain significance. Last evaluated: 2021-09-23. Review status: criteria provided, single submitter. Criteria: GeneDx Variant Classification Process June 2021. Collection method: clinical testing. Allele origin: germline. Affected: yes.
Comment: In silico analysis supports that this missense variant has a deleterious effect on splicing; In silico analysis supports that this missense variant does not alter protein structure/function; Has not been previously published as pathogenic or benign to our knowledge

Breakthrough Genomics
Classification: Uncertain significance. Review status: criteria provided, single submitter. Criteria: ACMG Guidelines, 2015. Collection method: not provided. Allele origin: germline. Inheritance: Autosomal recessive inheritance. Affected: yes.